The following is an entry in ClinVar:

NM_000455.5(STK11):c.60_61delinsTT (p.Gly21Cys)

Gene: STK11 (serine/threonine kinase 11; plus strand). Cytogenetic location: 19p13.3.
Variant type: Indel.
Coding change: c.60_61delinsTT on transcript NM_000455.5 (MANE Select); coding-DNA positions 60 to 61, GG replaced by TT.
Protein change: p.Gly21Cys; replaces glycine 21 with cysteine.
Molecular consequence: missense variant.
Genome position (GRCh38, 1-based): chr19:1,206,973-1,206,974, GG replaced by TT. VCF-style: chr19-1206973-GG-TT. GRCh37 (hg19) VCF-style: chr19-1206972-GG-TT.
Other names: c.60_61delGGinsTT (NM_000455.4); short protein forms G21C.
Identifiers: ClinVar variation 946279 (VCV000946279.9), dbSNP rs2080670569, ClinGen allele CA1139666178.

ClinVar aggregate classification (germline): Uncertain significance. Review status: criteria provided, multiple submitters, no conflicts (2 of 4 stars). 2 submissions from 2 submitters: Uncertain significance (2). Last evaluated 2025-02-20.

Conditions:
Hereditary cancer-predisposing syndrome. Also called: Neoplastic Syndromes, Hereditary; Hereditary neoplastic syndrome; Hereditary Cancer Syndrome; Tumor predisposition. Identifiers: Orphanet 140162, MedGen C0027672, MeSH D009386, MONDO:0015356.
Peutz-Jeghers syndrome (PJS). Also called: Peutz-Jeghers polyposis; Periorificial lentiginosis syndrome; POLYPOSIS, HAMARTOMATOUS INTESTINAL; POLYPS-AND-SPOTS SYNDROME. Identifiers: Orphanet 2869, MedGen C0031269, MeSH D010580, MONDO:0008280, OMIM 175200.

Submissions (2):

Ambry Genetics
Classification: Uncertain significance for Hereditary cancer-predisposing syndrome. Last evaluated: 2025-02-20. Review status: criteria provided, single submitter. Criteria: Ambry Variant Classification Scheme 2023. Collection method: clinical testing. Allele origin: germline.
Comment: The c.60_61delGGinsTT variant, located in coding exon 1 of the STK11 gene, results from an in-frame deletion of GG and insertion of TT at nucleotide positions 60 to 61. This results in the substitution of the glycine residue for a cysteine residue at codon 21, an amino acid with highly dissimilar properties. In addition, this alteration is predicted to be neutral by in silico analysis (Choi Y et al. PLoS ONE. 2012; 7(10):e46688). Based on the available evidence, the clinical significance of this variant remains unclear.

Labcorp Genetics (formerly Invitae), Labcorp
Classification: Uncertain significance for Peutz-Jeghers syndrome. Last evaluated: 2019-06-19. Review status: criteria provided, single submitter. Criteria: Invitae Variant Classification Sherloc (09022015). Collection method: clinical testing. Allele origin: germline.
Comment: This sequence change replaces glycine with cysteine at codon 21 of the STK11 protein (p.Gly21Cys). The glycine residue is moderately conserved and there is a large physicochemical difference between glycine and cysteine. This variant is not present in population databases (ExAC no frequency). This variant has not been reported in the literature in individuals with STK11-related conditions. Algorithms developed to predict the effect of missense changes on protein structure and function are either unavailable or do not agree on the potential impact of this missense change (SIFT: "Tolerated"; PolyPhen-2: "Not available"; Align-GVGD: "Class C0"). In summary, the available evidence is currently insufficient to determine the role of this variant in disease. Therefore, it has been classified as a Variant of Uncertain Significance.